The following is an entry in ClinVar:

ClinVar aggregate classification (germline): Uncertain significance (1 of 4 stars; one submission).

Submission:

GeneDx
Classification: Uncertain significance. Last evaluated: 2014-03-24. Review status: criteria provided, single submitter. Criteria: GeneDx Variant Classification (06012015). Collection method: clinical testing. Allele origin: germline. Affected: yes.
Comment: The c.508_516delCAGCTGGCC variant in the NKX2-5 gene has not been published as a mutation, nor has it been reported as a benign polymorphism to our knowledge. The c.508_516delCAGCTGGCC variant results in deletion of nine nucleotides, which maintain the reading frame and results in deletion of three amino acids between positions 170 and 172. The c.508_516delCAGCTGGCC variant was not observed in approximately 6,500 individuals of European and African American ancestry in the NHLBI Exome Sequencing Project, indicating it is not a common benign variant in these populations. Therefore, based on the currently available information, it is unclear whether this variant is a pathogenic mutation or a rare benign variant.

NM_004387.4(NKX2-5):c.508_516del (p.Gln170_Ala172del)

Gene: NKX2-5 (NK2 homeobox 5; minus strand). Cytogenetic location: 5q35.1.
Variant type: Deletion.
Coding change: c.508_516del on transcript NM_004387.4 (MANE Select); coding-DNA positions 508 to 516, 9 bases deleted (CAGCTGGCC; older notation c.508_516delCAGCTGGCC).
Protein change: p.Gln170_Ala172del.
Molecular consequence: inframe deletion. On other transcripts: 3 prime UTR variant (2).
Genome position (GRCh38, 1-based): chr5:173,233,028-173,233,036, GGCCAGCTG deleted on the plus strand (CAGCTGGCC on the coding strand, the reverse complement: NKX2-5 is on the minus strand); deleting any 9 consecutive bases within chr5:173,233,028-173,233,037 gives the same sequence; the c. name uses the placement nearest the transcript's 3' end. VCF-style (leftmost placement, unchanged base first): chr5-173233027-TGGCCAGCTG-T. GRCh37 (hg19) VCF-style: chr5-172660030-TGGCCAGCTG-T.
Other names: c.*461_*469del (NM_001166175.2); c.*307_*315del (NM_001166176.2).
Identifiers: ClinVar variation 190838 (VCV000190838.2), dbSNP rs786205825, ClinGen allele CA302114.